The following is an entry in ClinVar:

NM_001042492.3(NF1):c.2393A>C (p.Lys798Thr)

Gene: NF1 (neurofibromin 1; plus strand). Cytogenetic location: 17q11.2.
Variant type: single nucleotide variant.
Coding change: c.2393A>C on transcript NM_001042492.3 (MANE Select); coding-DNA position 2393, A replaced by C.
Protein change: p.Lys798Thr; replaces lysine 798 with threonine.
Molecular consequence: missense variant.
Genome position (GRCh38, 1-based): chr17:31,227,590, A>C. VCF-style: chr17-31227590-A-C. GRCh37 (hg19) VCF-style: chr17-29554608-A-C.
Other names: c.2393A>C, p.Lys798Thr (NM_000267.4); short protein forms K798T.
Identifiers: ClinVar variation 527587 (VCV000527587.5), dbSNP rs745498566, ClinGen allele CA398983265.
Genomic context (GRCh38, chr17:31,227,590, plus strand): 5'-AAGATACACATGCAAAATGGGAACAAGCAACAAAGCTAATCCTTAACTATCCAAAAGCCA[A>C]AATGGAAGATGGCCAGGTAAGTCTGTAAAGTTGACTTTTGTCTGTTAACTGATCTGCTAA-3'
Protein context (NP_001035957.1, residues 788-808): TKLILNYPKA[Lys798Thr]MEDGQAAESL

ClinVar aggregate classification (germline): Uncertain significance (1 of 4 stars; one submission).

Conditions:
Neurofibromatosis, type 1 (NF1). Also called: VON RECKLINGHAUSEN DISEASE; NEUROFIBROMATOSIS, TYPE I, SOMATIC; Peripheral type neurofibromatosis; Neurofibromatosis, type I. Identifiers: Orphanet 636, MedGen C0027831, MONDO:0018975, OMIM 162200. Disease mechanism: loss of function.

Allele frequency attached by ClinVar (database versions not stated): gnomAD exomes below 0.00001.
gnomAD v4.1: 1 of 1,613,804 alleles (0.000062%); highest among the groups gnomAD compares: South Asian, 0.0011%; no homozygotes.

Submission:

Labcorp Genetics (formerly Invitae), Labcorp
Classification: Uncertain significance for Neurofibromatosis, type 1. Last evaluated: 2020-01-08. Review status: criteria provided, single submitter. Criteria: Invitae Variant Classification Sherloc (09022015). Collection method: clinical testing. Allele origin: germline.
Comment: This variant has not been reported in the literature in individuals with NF1-related conditions. ClinVar contains an entry for this variant (Variation ID: 527587). This sequence change replaces lysine with threonine at codon 798 of the NF1 protein (p.Lys798Thr). The lysine residue is moderately conserved and there is a moderate physicochemical difference between lysine and threonine. This variant is not present in population databases (ExAC no frequency). Algorithms developed to predict the effect of missense changes on protein structure and function are either unavailable or do not agree on the potential impact of this missense change (SIFT: "Tolerated"; PolyPhen-2: "Probably Damaging"; Align-GVGD: "Class C0"). In summary, the available evidence is currently insufficient to determine the role of this variant in disease. Therefore, it has been classified as a Variant of Uncertain Significance.